The following is an entry in ClinVar:

NM_000368.5(TSC1):c.403G>A (p.Val135Met)

Gene: TSC1 (TSC complex subunit 1; minus strand). Cytogenetic location: 9q34.13.
Variant type: single nucleotide variant.
Coding change: c.403G>A on transcript NM_000368.5 (MANE Select); coding-DNA position 403, G replaced by A.
Protein change: p.Val135Met; replaces valine 135 with methionine.
Molecular consequence: missense variant.
Genome position (GRCh38, 1-based): chr9:132,923,453, C>T on the plus strand (G>A on the coding strand, the complement: TSC1 is on the minus strand). VCF-style: chr9-132923453-C-T. GRCh37 (hg19) VCF-style: chr9-135798840-C-T.
Other names: c.403G>A, p.Val135Met (NM_001162426.2); c.250G>A, p.Val84Met (NM_001162427.2); c.40G>A, p.Val14Met (NM_001362177.2); short protein forms V135M, V84M, V14M.
Identifiers: ClinVar variation 824532 (VCV000824532.16), dbSNP rs1588350708, ClinGen allele CA375373603.
Genomic context (GRCh38, chr9:132,923,453, plus strand): 5'-AGAAATCAAGAAGATGCTGTTTCCCAGACTGTGGAATCATTGGTAGCATGGTTATCAACA[C>T]CAAGACGCCTGTTGTGAGGACAACGACGTCAGTGTCCATCTGCAGGAGAAAAGGTCAAAC-3'
Protein context (NP_000359.1, residues 125-145): DVVVLTTGVL[Val135Met]LITMLPMIPQ

ClinVar aggregate classification (germline): Uncertain significance. Review status: criteria provided, multiple submitters, no conflicts (2 of 4 stars). 3 submissions from 3 submitters: Uncertain significance (3). Last evaluated 2026-08-25.

Conditions:
Hereditary cancer-predisposing syndrome. Also called: Tumor predisposition; Hereditary neoplastic syndrome; Neoplastic Syndromes, Hereditary; Hereditary Cancer Syndrome. Identifiers: Orphanet 140162, MedGen C0027672, MeSH D009386, MONDO:0015356.
Tuberous sclerosis 1 (TSC1). Identifiers: Orphanet 805, MedGen C1854465, MONDO:0008612, OMIM 191100.

Submissions (3):

Ambry Genetics
Classification: Uncertain significance for Hereditary cancer-predisposing syndrome. Last evaluated: 2026-08-25. Review status: criteria provided, single submitter. Criteria: Ambry Variant Classification Scheme 2023. Collection method: clinical testing. Allele origin: germline.
Comment: The p.V135M variant (also known as c.403G>A), located in coding exon 4 of the TSC1 gene, results from a G to A substitution at nucleotide position 403. The valine at codon 135 is replaced by methionine, an amino acid with highly similar properties. This amino acid position is highly conserved in available vertebrate species. In addition, this alteration is predicted to be deleterious by in silico analysis. Based on the available evidence, the clinical significance of this variant remains unclear.

Genome-Nilou Lab
Classification: Uncertain significance for Tuberous sclerosis 1. Last evaluated: 2021-11-07. Review status: criteria provided, single submitter. Criteria: ACMG Guidelines, 2015. Collection method: clinical testing. Allele origin: germline. Affected: no.

Labcorp Genetics (formerly Invitae), Labcorp
Classification: Uncertain significance for Tuberous sclerosis 1. Last evaluated: 2020-09-09. Review status: criteria provided, single submitter. Criteria: Invitae Variant Classification Sherloc (09022015). Collection method: clinical testing. Allele origin: germline.
Comment: This sequence change replaces valine with methionine at codon 135 of the TSC1 protein (p.Val135Met). The valine residue is highly conserved and there is a small physicochemical difference between valine and methionine. This variant is not present in population databases (ExAC no frequency). This variant has not been reported in the literature in individuals with TSC1-related conditions. ClinVar contains an entry for this variant (Variation ID: 824532). Algorithms developed to predict the effect of missense changes on protein structure and function are either unavailable or do not agree on the potential impact of this missense change (SIFT: "Deleterious"; PolyPhen-2: "Probably Damaging"; Align-GVGD: "Class C0"). In summary, the available evidence is currently insufficient to determine the role of this variant in disease. Therefore, it has been classified as a Variant of Uncertain Significance.